The following is an entry in ClinVar:

NM_017514.5(PLXNA3):c.1817C>G (p.Thr606Ser)

Gene: PLXNA3 (plexin A3; plus strand). Cytogenetic location: Xq28.
Variant type: single nucleotide variant.
Coding change: c.1817C>G on transcript NM_017514.5 (MANE Select); coding-DNA position 1817, C replaced by G.
Protein change: p.Thr606Ser; replaces threonine 606 with serine.
Molecular consequence: missense variant.
Genome position (GRCh38, 1-based): chrX:154,464,302, C>G. VCF-style: chrX-154464302-C-G. GRCh37 (hg19) VCF-style: chrX-153692645-C-G.
Other names: short protein forms T606S.
Identifiers: ClinVar variation 4988362 (VCV004988362.1).

ClinVar aggregate classification (germline): Uncertain significance (1 of 4 stars; one submission).

Conditions:
PLXNA3-related disorder. Also called: PLXNA3-related condition.

gnomAD v4.1: 27 of 1,206,596 alleles (0.0022%); highest among the groups gnomAD compares: Middle Eastern, 0.092%; 1 homozygote.

Submission:

PreventionGenetics, part of Exact Sciences
Classification: Uncertain significance for PLXNA3-related condition. Last evaluated: 2025-11-06. Review status: criteria provided, single submitter. Criteria: ACMG Guidelines, 2015. Collection method: clinical testing. Allele origin: germline.
Comment: The PLXNA3 c.1817C>G variant is predicted to result in the amino acid substitution p.Thr606Ser. To our knowledge, this variant has not been reported in the literature. This variant is reported in 0.0013% of alleles in individuals of European (Non-Finnish) descent in gnomAD. At this time, the clinical significance of this variant is uncertain due to the absence of conclusive functional and genetic evidence.